The following is an entry in ClinVar:

NM_001349253.2(SCN11A):c.1824G>A (p.Met608Ile)

Gene: SCN11A (sodium voltage-gated channel alpha subunit 11; minus strand). Cytogenetic location: 3p22.2.
Variant type: single nucleotide variant.
Coding change: c.1824G>A on transcript NM_001349253.2 (MANE Select); coding-DNA position 1824, G replaced by A.
Protein change: p.Met608Ile; replaces methionine 608 with isoleucine.
Molecular consequence: missense variant.
Genome position (GRCh38, 1-based): chr3:38,903,883, C>T on the plus strand (G>A on the coding strand, the complement: SCN11A is on the minus strand). VCF-style: chr3-38903883-C-T. GRCh37 (hg19) VCF-style: chr3-38945374-C-T.
Other names: c.1824G>A, p.Met608Ile (NM_014139.3); short protein forms M608I.
Identifiers: ClinVar variation 2015337 (VCV002015337.4), dbSNP rs1559520716, ClinGen allele CA352163843.

ClinVar aggregate classification (germline): Uncertain significance (1 of 4 stars; one submission).

Conditions:
Hereditary sensory and autonomic neuropathy type 7. Also called: Neuropathy, hereditary sensory and autonomic, type VII; HSAN VII. Identifiers: Orphanet 391397, MedGen C3809882, MONDO:0014244, OMIM 615548.
Familial episodic pain syndrome with predominantly lower limb involvement. Also called: Episodic pain syndrome, familial, 3. Identifiers: Orphanet 391384, Orphanet 391392, MedGen C3809899, MONDO:0014247, OMIM 615552.

Submission:

Labcorp Genetics (formerly Invitae), Labcorp
Classification: Uncertain significance for Familial episodic pain syndrome with predominantly lower limb involvement; Hereditary sensory and autonomic neuropathy type 7. Last evaluated: 2022-09-14. Review status: criteria provided, single submitter. Criteria: Invitae Variant Classification Sherloc (09022015). Collection method: clinical testing. Allele origin: germline.
Comment: In summary, the available evidence is currently insufficient to determine the role of this variant in disease. Therefore, it has been classified as a Variant of Uncertain Significance. Advanced modeling of protein sequence and biophysical properties (such as structural, functional, and spatial information, amino acid conservation, physicochemical variation, residue mobility, and thermodynamic stability) performed at Invitae indicates that this missense variant is not expected to disrupt SCN11A protein function. This variant has not been reported in the literature in individuals affected with SCN11A-related conditions. This variant is not present in population databases (gnomAD no frequency). This sequence change replaces methionine, which is neutral and non-polar, with isoleucine, which is neutral and non-polar, at codon 608 of the SCN11A protein (p.Met608Ile).